The following is an entry in ClinVar:

ClinVar aggregate classification (germline): Uncertain significance. Review status: criteria provided, multiple submitters, no conflicts (2 of 4 stars). 2 submissions from 2 submitters: Uncertain significance (2). Last evaluated 2025-02-22.

Conditions:
Inborn genetic diseases. Identifiers: MedGen C0950123, MeSH D030342.

Allele frequency attached by ClinVar (database versions not stated): gnomAD exomes below 0.00001; gnomAD 0.00001; TOPMed 0.00001.
gnomAD v4.1: 5 of 1,612,622 alleles (0.00031%); highest among the groups gnomAD compares: Admixed American, 0.0017%; no homozygotes.

Submissions (2):

Ambry Genetics
Classification: Uncertain significance for Inborn genetic diseases. Last evaluated: 2025-02-22. Review status: criteria provided, single submitter. Criteria: Ambry Variant Classification Scheme 2023. Collection method: clinical testing. Allele origin: germline.

Labcorp Genetics (formerly Invitae), Labcorp
Classification: Uncertain significance. Last evaluated: 2023-11-04. Review status: criteria provided, single submitter. Criteria: Invitae Variant Classification Sherloc (09022015). Collection method: clinical testing. Allele origin: germline.
Comment: This sequence change replaces glutamine, which is neutral and polar, with histidine, which is basic and polar, at codon 1832 of the DCHS1 protein (p.Gln1832His). This variant is not present in population databases (gnomAD no frequency). This variant has not been reported in the literature in individuals affected with DCHS1-related conditions. Advanced modeling of protein sequence and biophysical properties (such as structural, functional, and spatial information, amino acid conservation, physicochemical variation, residue mobility, and thermodynamic stability) performed at Invitae indicates that this missense variant is not expected to disrupt DCHS1 protein function with a negative predictive value of 95%. In summary, the available evidence is currently insufficient to determine the role of this variant in disease. Therefore, it has been classified as a Variant of Uncertain Significance.

NM_003737.4(DCHS1):c.5496G>C (p.Gln1832His)

Gene: DCHS1 (dachsous cadherin-related 1; minus strand). Cytogenetic location: 11p15.4.
Variant type: single nucleotide variant.
Coding change: c.5496G>C on transcript NM_003737.4 (MANE Select); coding-DNA position 5496, G replaced by C.
Protein change: p.Gln1832His; replaces glutamine 1832 with histidine.
Molecular consequence: missense variant.
Genome position (GRCh38, 1-based): chr11:6,627,543, C>G on the plus strand (G>C on the coding strand, the complement: DCHS1 is on the minus strand). VCF-style: chr11-6627543-C-G. GRCh37 (hg19) VCF-style: chr11-6648774-C-G.
Other names: c.5496G>C (NM_003737.2); short protein forms Q1832H.
Identifiers: ClinVar variation 2753148 (VCV002753148.4), dbSNP rs975872146, ClinGen allele CA217297386.